The following is an entry in ClinVar:

ClinVar aggregate classification (germline): Uncertain significance (1 of 4 stars; one submission).

gnomAD v4.1: 1 of 1,614,094 alleles (0.000062%); highest among the groups gnomAD compares: Non-Finnish European, 0.000085%; no homozygotes.

Submission:

Labcorp Genetics (formerly Invitae), Labcorp
Classification: Uncertain significance. Last evaluated: 2024-06-25. Review status: criteria provided, single submitter. Criteria: Invitae Variant Classification Sherloc (09022015). Collection method: clinical testing. Allele origin: germline.
Comment: This sequence change replaces cysteine, which is neutral and slightly polar, with glycine, which is neutral and non-polar, at codon 717 of the ABCB4 protein (p.Cys717Gly). This variant is not present in population databases (gnomAD no frequency). This variant has not been reported in the literature in individuals affected with ABCB4-related conditions. Advanced modeling of protein sequence and biophysical properties (such as structural, functional, and spatial information, amino acid conservation, physicochemical variation, residue mobility, and thermodynamic stability) has been performed at Invitae for this missense variant, however the output from this modeling did not meet the statistical confidence thresholds required to predict the impact of this variant on ABCB4 protein function. In summary, the available evidence is currently insufficient to determine the role of this variant in disease. Therefore, it has been classified as a Variant of Uncertain Significance.

NM_000443.4(ABCB4):c.2149T>G (p.Cys717Gly)

Gene: ABCB4 (ATP binding cassette subfamily B member 4; minus strand). Cytogenetic location: 7q21.12.
Variant type: single nucleotide variant.
Coding change: c.2149T>G on transcript NM_000443.4 (MANE Select); coding-DNA position 2149, T replaced by G.
Protein change: p.Cys717Gly; replaces cysteine 717 with glycine.
Molecular consequence: missense variant.
Genome position (GRCh38, 1-based): chr7:87,423,968, A>C on the plus strand (T>G on the coding strand, the complement: ABCB4 is on the minus strand). VCF-style: chr7-87423968-A-C. GRCh37 (hg19) VCF-style: chr7-87053284-A-C.
Other names: c.2149T>G, p.Cys717Gly (NM_018849.3, NM_018850.3); short protein forms C717G.
Identifiers: ClinVar variation 3678012 (VCV003678012.2).